The following is an entry in ClinVar:

NM_001287.6(CLCN7):c.377G>A (p.Arg126His)

Gene: CLCN7 (chloride voltage-gated channel 7; minus strand). Cytogenetic location: 16p13.3.
Variant type: single nucleotide variant.
Coding change: c.377G>A on transcript NM_001287.6 (MANE Select); coding-DNA position 377, G replaced by A.
Protein change: p.Arg126His; replaces arginine 126 with histidine.
Molecular consequence: missense variant.
Genome position (GRCh38, 1-based): chr16:1,460,923, C>T on the plus strand (G>A on the coding strand, the complement: CLCN7 is on the minus strand). VCF-style: chr16-1460923-C-T. GRCh37 (hg19) VCF-style: chr16-1510924-C-T.
Other names: c.305G>A, p.Arg102His (NM_001114331.3); short protein forms R102H, R126H.
Identifiers: ClinVar variation 2780306 (VCV002780306.3), dbSNP rs1201465216, ClinGen allele CA394192678.

ClinVar aggregate classification (germline): Likely pathogenic (1 of 4 stars; one submission).

Allele frequency attached by ClinVar (database versions not stated): gnomAD exomes below 0.00001.

Submission:

Labcorp Genetics (formerly Invitae), Labcorp
Classification: Likely pathogenic. Last evaluated: 2024-02-23. Review status: criteria provided, single submitter. Criteria: Invitae Variant Classification Sherloc (09022015). Collection method: clinical testing. Allele origin: germline.
Comment: This sequence change replaces arginine, which is basic and polar, with histidine, which is basic and polar, at codon 126 of the CLCN7 protein (p.Arg126His). This variant is present in population databases (no rsID available, gnomAD 0.003%). This missense change has been observed in individual(s) with autosomal recessive osteopetrosis (PMID: 33125761). It has also been observed to segregate with disease in related individuals. Advanced modeling of protein sequence and biophysical properties (such as structural, functional, and spatial information, amino acid conservation, physicochemical variation, residue mobility, and thermodynamic stability) performed at Invitae indicates that this missense variant is expected to disrupt CLCN7 protein function with a positive predictive value of 95%. Experimental studies have shown that this missense change affects CLCN7 function (PMID: 33125761). In summary, the currently available evidence indicates that the variant is pathogenic, but additional data are needed to prove that conclusively. Therefore, this variant has been classified as Likely Pathogenic.

Literature cited by the submitters: PubMed 33125761.